The following is an entry in ClinVar:

NM_000260.4(MYO7A):c.2003G>C (p.Arg668Pro)

Gene: MYO7A (myosin VIIA; plus strand). Cytogenetic location: 11q13.5.
Variant type: single nucleotide variant.
Coding change: c.2003G>C on transcript NM_000260.4 (MANE Select); coding-DNA position 2003, G replaced by C.
Protein change: p.Arg668Pro; replaces arginine 668 with proline.
Molecular consequence: missense variant.
Genome position (GRCh38, 1-based): chr11:77,174,823, G>C. VCF-style: chr11-77174823-G-C. GRCh37 (hg19) VCF-style: chr11-76885869-G-C.
Other names: c.2003G>C, p.Arg668Pro (NM_001127180.2); c.1970G>C, p.Arg657Pro (NM_001369365.1); short protein forms R657P, R668P.
Identifiers: ClinVar variation 1067673 (VCV001067673.9), dbSNP rs368575149, ClinGen allele CA6197661.
Genomic context (GRCh38, chr11:77,174,823, plus strand): 5'-ACCGGCACCTGTGCGTGCGCCAGCTGCGGTACTCAGGAATGATGGAGACCATCCGAATCC[G>C]CCGAGCTGGCTACCCCATCCGCTACAGCTTCGTAGAGTTTGTGGAGCGGTACCGTGTGCT-3'
Protein context (NP_000251.3, residues 658-678): YSGMMETIRI[Arg668Pro]RAGYPIRYSF

ClinVar aggregate classification (germline): Likely pathogenic (1 of 4 stars; one submission).

Allele frequency attached by ClinVar (database versions not stated): gnomAD exomes below 0.00001; ExAC 0.00001.

Submission:

Labcorp Genetics (formerly Invitae), Labcorp
Classification: Likely pathogenic. Last evaluated: 2020-07-20. Review status: criteria provided, single submitter. Criteria: Invitae Variant Classification Sherloc (09022015). Collection method: clinical testing. Allele origin: germline.
Comment: This sequence change replaces arginine with proline at codon 668 of the MYO7A protein (p.Arg668Pro). The arginine residue is highly conserved and there is a moderate physicochemical difference between arginine and proline. This variant is present in population databases (rs368575149, ExAC 0.002%). This variant has not been reported in the literature in individuals with MYO7A-related conditions. Advanced modeling of protein sequence and biophysical properties (such as structural, functional, and spatial information, amino acid conservation, physicochemical variation, residue mobility, and thermodynamic stability) performed at Invitae indicates that this missense variant is expected to disrupt MYO7A protein function. This variant disrupts the p.Arg668 amino acid residue in MYO7A. Other variant(s) that disrupt this residue have been determined to be pathogenic (PMID: 26969326, 23383098). This suggests that this residue is clinically significant, and that variants that disrupt this residue are likely to be disease-causing. In summary, the currently available evidence indicates that the variant is pathogenic, but additional data are needed to prove that conclusively. Therefore, this variant has been classified as Likely Pathogenic.

Literature cited by the submitters: PubMed 26969326; PubMed 23383098.